The following is an entry in ClinVar:

ClinVar aggregate classification (germline): Uncertain significance (1 of 4 stars; one submission).

gnomAD v4.1: 7 of 1,613,102 alleles (0.00043%); highest among the groups gnomAD compares: African/African-American, 0.0013%; no homozygotes.

Submission:

CeGaT Center for Human Genetics Tuebingen
Classification: Uncertain significance. Last evaluated: 2025-01-01. Review status: criteria provided, single submitter. Criteria: CeGaT Center For Human Genetics Tuebingen Variant Classification Criteria Version 2. Collection method: clinical testing. Allele origin: germline. Affected: yes. Observed: 1 variant allele.
Comment: ARFGEF1: PM2, BP1

NM_006421.5(ARFGEF1):c.281G>A (p.Arg94His)

Gene: ARFGEF1 (ARF guanine nucleotide exchange factor 1; minus strand). Cytogenetic location: 8q13.2.
Variant type: single nucleotide variant.
Coding change: c.281G>A on transcript NM_006421.5 (MANE Select); coding-DNA position 281, G replaced by A.
Protein change: p.Arg94His; replaces arginine 94 with histidine.
Molecular consequence: missense variant. On other transcripts: 5 prime UTR variant (4), non-coding transcript variant (1).
Genome position (GRCh38, 1-based): chr8:67,301,255, C>T on the plus strand (G>A on the coding strand, the complement: ARFGEF1 is on the minus strand). VCF-style: chr8-67301255-C-T. GRCh37 (hg19) VCF-style: chr8-68213490-C-T.
Other names: c.281G>A, p.Arg94His (NM_001413195.1, NM_001413184.1, NM_001413185.1 and 7 more transcripts); c.-835G>A (NM_001413196.1); c.-320G>A (NM_001413197.1, NM_001413188.1, NM_001413193.1); short protein forms R94H.
Identifiers: ClinVar variation 3771768 (VCV003771768.13).